The following is an entry in ClinVar:

ClinVar aggregate classification (germline): Uncertain significance. Review status: criteria provided, multiple submitters, no conflicts (2 of 4 stars). 2 submissions from 2 submitters: Uncertain significance (2). Last evaluated 2025-01-27.

Allele frequency attached by ClinVar (database versions not stated): 1000 Genomes Project 0.00020; 1000 Genomes Project 30x 0.00031.
gnomAD v4.1: 10 of 1,613,304 alleles (0.00062%); highest among the groups gnomAD compares: Admixed American, 0.012%; no homozygotes.

Submissions (2):

Ambry Genetics
Classification: Uncertain significance. Last evaluated: 2025-01-27. Review status: criteria provided, single submitter. Criteria: Ambry Variant Classification Scheme 2023. Collection method: clinical testing. Allele origin: germline.

Labcorp Genetics (formerly Invitae), Labcorp
Classification: Uncertain significance. Last evaluated: 2023-07-28. Review status: criteria provided, single submitter. Criteria: Invitae Variant Classification Sherloc (09022015). Collection method: clinical testing. Allele origin: germline.
Comment: This variant is present in population databases (rs587759102, gnomAD 0.006%). In summary, the available evidence is currently insufficient to determine the role of this variant in disease. Therefore, it has been classified as a Variant of Uncertain Significance. An algorithm developed to predict the effect of missense changes on protein structure and function (PolyPhen-2) suggests that this variant is likely to be tolerated. This variant has not been reported in the literature in individuals affected with ZNF687-related conditions. This sequence change replaces glycine, which is neutral and non-polar, with arginine, which is basic and polar, at codon 454 of the ZNF687 protein (p.Gly454Arg).

NM_020832.3(ZNF687):c.1360G>A (p.Gly454Arg)

Gene: ZNF687 (zinc finger protein 687; plus strand). Cytogenetic location: 1q21.3.
Variant type: single nucleotide variant.
Coding change: c.1360G>A on transcript NM_020832.3 (MANE Select); coding-DNA position 1360, G replaced by A.
Protein change: p.Gly454Arg; replaces glycine 454 with arginine.
Molecular consequence: missense variant.
Genome position (GRCh38, 1-based): chr1:151,287,651, G>A. VCF-style: chr1-151287651-G-A. GRCh37 (hg19) VCF-style: chr1-151260127-G-A.
Other names: c.1360G>A, p.Gly454Arg (NM_001304763.2, NM_001304764.2); c.1360G>A (NM_020832.1); short protein forms G454R.
Identifiers: ClinVar variation 2899230 (VCV002899230.4), dbSNP rs587759102, ClinGen allele CA29518462.
Genomic context (GRCh38, chr1:151,287,651, plus strand): 5'-CCTAAGATGATTGCTAAGAACGTGCTAGGCCTGGTGCCCCAAGCCCTGCCTAAGGCTGAC[G>A]GGCGGGCAGGGCTGGGGACTGGGGGACAGAAGGTGAATGGTGCCTCGGTGGTGATGGTGC-3'
Protein context (NP_065883.1, residues 444-464): LVPQALPKAD[Gly454Arg]RAGLGTGGQK